The following is an entry in ClinVar:

ClinVar aggregate classification (germline): Uncertain significance (1 of 4 stars; one submission).

Conditions:
Neuroblastoma, susceptibility to, 3. Also called: ALK-Related Neuroblastic Tumor Susceptibility. Identifiers: Orphanet 635, MedGen C2751681, MONDO:0013083, OMIM 613014.

Allele frequency attached by ClinVar (database versions not stated): gnomAD exomes below 0.00001; ExAC 0.00001.
gnomAD v4.1: 1 of 1,613,990 alleles (0.000062%); highest among the groups gnomAD compares: East Asian, 0.0022%; no homozygotes.

Submission:

Labcorp Genetics (formerly Invitae), Labcorp
Classification: Uncertain significance for Neuroblastoma, susceptibility to, 3. Last evaluated: 2025-07-30. Review status: criteria provided, single submitter. Criteria: Invitae Variant Classification Sherloc (09022015). Collection method: clinical testing. Allele origin: germline.
Comment: This sequence change replaces proline, which is neutral and non-polar, with leucine, which is neutral and non-polar, at codon 307 of the ALK protein (p.Pro307Leu). This variant is present in population databases (rs772529808, gnomAD 0.006%). This variant has not been reported in the literature in individuals affected with ALK-related conditions. ClinVar contains an entry for this variant (Variation ID: 2150614). An algorithm developed to predict the effect of missense changes on protein structure and function (PolyPhen-2) suggests that this variant is likely to be tolerated. In summary, the available evidence is currently insufficient to determine the role of this variant in disease. Therefore, it has been classified as a Variant of Uncertain Significance.

NM_004304.5(ALK):c.920C>T (p.Pro307Leu)

Gene: ALK (ALK receptor tyrosine kinase; minus strand). Cytogenetic location: 2p23.2.
Variant type: single nucleotide variant.
Coding change: c.920C>T on transcript NM_004304.5 (MANE Select); coding-DNA position 920, C replaced by T.
Protein change: p.Pro307Leu; replaces proline 307 with leucine.
Molecular consequence: missense variant.
Genome position (GRCh38, 1-based): chr2:29,694,882, G>A on the plus strand (C>T on the coding strand, the complement: ALK is on the minus strand). VCF-style: chr2-29694882-G-A. GRCh37 (hg19) VCF-style: chr2-29917748-G-A.
Other names: short protein forms P307L.
Identifiers: ClinVar variation 2150614 (VCV002150614.4), dbSNP rs772529808, ClinGen allele CA1594816.
Genomic context (GRCh38, chr2:29,694,882, plus strand): 5'-AGGACATCACCAGCAGCCTCTCCCTTACCTCTGGGCATCTCCTTAGAACGCTCTGCCCCA[G>A]GCCCATCCAGCAAGTCCATCTGGGAGGCCTCCTCGGAGGGGATGCGGCGCCAGGACCAGC-3'
Protein context (NP_004295.2, residues 297-317): EASQMDLLDG[Pro307Leu]GAERSKEMPR